The following is an entry in ClinVar:

ClinVar aggregate classification (germline): Uncertain significance (1 of 4 stars; one submission).

Submission:

GeneDx
Classification: Uncertain significance. Last evaluated: 2024-06-17. Review status: criteria provided, single submitter. Criteria: GeneDx Variant Classification Process June 2021. Collection method: clinical testing. Allele origin: germline. Affected: yes.
Comment: Not observed at significant frequency in large population cohorts (gnomAD); In silico analysis supports that this missense variant has a deleterious effect on protein structure/function; Has not been previously published as pathogenic or benign to our knowledge

NM_001005273.3(CHD3):c.3397C>T (p.Leu1133Phe)

Gene: CHD3 (chromodomain helicase DNA binding protein 3; plus strand). Cytogenetic location: 17p13.1.
Variant type: single nucleotide variant.
Coding change: c.3397C>T on transcript NM_001005273.3 (MANE Select); coding-DNA position 3397, C replaced by T.
Protein change: p.Leu1133Phe; replaces leucine 1133 with phenylalanine.
Molecular consequence: missense variant.
Genome position (GRCh38, 1-based): chr17:7,902,963, C>T. VCF-style: chr17-7902963-C-T. GRCh37 (hg19) VCF-style: chr17-7806281-C-T.
Other names: c.3574C>T, p.Leu1192Phe (NM_001005271.3); c.3397C>T, p.Leu1133Phe (NM_005852.4); short protein forms L1133F, L1192F.
Identifiers: ClinVar variation 3391732 (VCV003391732.1).
Genomic context (GRCh38, chr17:7,902,963, plus strand): 5'-ACAAGAAAAACCTGATCCAACTCTCACCTCCTAGCTCCTGGGGCCCAACAATTCTGCTTC[C>T]TCCTGTCCACCCGAGCTGGGGGCCTGGGCATCAATCTGGCCACTGCTGACACTGTCATCA-3'
Protein context (NP_001005273.1, residues 1123-1143): NAPGAQQFCF[Leu1133Phe]LSTRAGGLGI